The following is an entry in ClinVar:

ClinVar aggregate classification (germline): Uncertain significance. Review status: criteria provided, multiple submitters, no conflicts (2 of 4 stars). 2 submissions from 2 submitters: Uncertain significance (2). Last evaluated 2025-11-02.

Allele frequency attached by ClinVar (database versions not stated): gnomAD exomes below 0.00001; TOPMed below 0.00001; ExAC 0.00001; gnomAD 0.00001.
gnomAD v4.1: 3 of 1,606,566 alleles (0.00019%); highest among the groups gnomAD compares: African/African-American, 0.0013%; no homozygotes.

Submissions (2):

Ambry Genetics
Classification: Uncertain significance. Last evaluated: 2025-11-02. Review status: criteria provided, single submitter. Criteria: Ambry Variant Classification Scheme 2023. Collection method: clinical testing. Allele origin: germline.

Labcorp Genetics (formerly Invitae), Labcorp
Classification: Uncertain significance. Last evaluated: 2022-08-19. Review status: criteria provided, single submitter. Criteria: Invitae Variant Classification Sherloc (09022015). Collection method: clinical testing. Allele origin: germline.
Comment: This sequence change replaces alanine, which is neutral and non-polar, with threonine, which is neutral and polar, at codon 5 of the RFWD3 protein (p.Ala5Thr). This variant is present in population databases (rs767359427, gnomAD 0.004%). This variant has not been reported in the literature in individuals affected with RFWD3-related conditions. Algorithms developed to predict the effect of missense changes on protein structure and function (SIFT, PolyPhen-2, Align-GVGD) all suggest that this variant is likely to be tolerated. In summary, the available evidence is currently insufficient to determine the role of this variant in disease. Therefore, it has been classified as a Variant of Uncertain Significance.

NM_018124.4(RFWD3):c.13G>A (p.Ala5Thr)

Gene: RFWD3 (ring finger and WD repeat domain 3; minus strand). Cytogenetic location: 16q23.1.
Variant type: single nucleotide variant.
Coding change: c.13G>A on transcript NM_018124.4 (MANE Select); coding-DNA position 13, G replaced by A.
Protein change: p.Ala5Thr; replaces alanine 5 with threonine.
Molecular consequence: missense variant. On other transcripts: 5 prime UTR variant (4), intron variant (1).
Genome position (GRCh38, 1-based): chr16:74,661,437, C>T on the plus strand (G>A on the coding strand, the complement: RFWD3 is on the minus strand). VCF-style: chr16-74661437-C-T. GRCh37 (hg19) VCF-style: chr16-74695335-C-T.
Other names: c.13G>A, p.Ala5Thr (NM_001370534.1, NM_001370535.1, NM_001370536.1); c.-996G>A (NM_001370537.1); c.-619G>A (NM_001370539.1, NM_001370541.1); c.-873G>A (NM_001370542.1); c.-751G>A (NM_001370543.1); c.-317+3187G>A (NM_001370540.1); c.13G>A (NM_018124.3); short protein forms A5T.
Identifiers: ClinVar variation 2113041 (VCV002113041.5), dbSNP rs767359427, ClinGen allele CA8169675.